The following is an entry in ClinVar:

ClinVar aggregate classification (germline): Uncertain significance (1 of 4 stars; one submission).

Conditions:
Peroxisome biogenesis disorder 9B. Also called: PEX7-Related Refsum Disease; Refsum disease, adult, 2; PEROXISOME BIOGENESIS DISORDER, PEX7-RELATED, ATYPICAL. Identifiers: Orphanet 773, MedGen C2749346, MONDO:0013945, OMIM 614879.

Allele frequency attached by ClinVar (database versions not stated): gnomAD exomes below 0.00001.
gnomAD v4.1: 1 of 1,613,828 alleles (0.000062%); highest among the groups gnomAD compares: Non-Finnish European, 0.000085%; no homozygotes.

Submission:

Labcorp Genetics (formerly Invitae), Labcorp
Classification: Uncertain significance for Peroxisome biogenesis disorder 9B. Last evaluated: 2022-05-31. Review status: criteria provided, single submitter. Criteria: Invitae Variant Classification Sherloc (09022015). Collection method: clinical testing. Allele origin: germline.
Comment: Algorithms developed to predict the effect of missense changes on protein structure and function (SIFT, PolyPhen-2, Align-GVGD) all suggest that this variant is likely to be tolerated. This variant has not been reported in the literature in individuals affected with PEX7-related conditions. This variant is not present in population databases (gnomAD no frequency). This sequence change replaces glutamine, which is neutral and polar, with arginine, which is basic and polar, at codon 178 of the PEX7 protein (p.Gln178Arg). In summary, the available evidence is currently insufficient to determine the role of this variant in disease. Therefore, it has been classified as a Variant of Uncertain Significance.

NM_000288.4(PEX7):c.533A>G (p.Gln178Arg)

Gene: PEX7 (peroxisomal biogenesis factor 7; plus strand). Cytogenetic location: 6q23.3.
Variant type: single nucleotide variant.
Coding change: c.533A>G on transcript NM_000288.4 (MANE Select); coding-DNA position 533, A replaced by G.
Protein change: p.Gln178Arg; replaces glutamine 178 with arginine.
Molecular consequence: missense variant.
Genome position (GRCh38, 1-based): chr6:136,866,633, A>G. VCF-style: chr6-136866633-A-G. GRCh37 (hg19) VCF-style: chr6-137187771-A-G.
Other names: c.419A>G, p.Gln140Arg (NM_001410945.1); short protein forms Q140R, Q178R.
Identifiers: ClinVar variation 1920837 (VCV001920837.3), dbSNP rs2548093656, ClinGen allele CA365762806.
Genomic context (GRCh38, chr6:136,866,633, plus strand): 5'-CACTGCACATTCAAGTGGTGTGATGGGAAATGATCAAGTCTTCCTTTTTACTAGGTGATC[A>G]GACTCTGAGAATATGGGATGTGAAGGCAGCAGGAGTAAGAATCGTGATTCCTGCACATCA-3'
Protein context (NP_000279.1, residues 168-188): PGCFASASGD[Gln178Arg]TLRIWDVKAA